The following is an entry in ClinVar:

ClinVar aggregate classification (germline): Conflicting classifications of pathogenicity. Review status: criteria provided, conflicting classifications (1 of 4 stars). 18 submissions from 18 submitters: Uncertain significance (1); Likely benign (11). 6 of the submissions do not count toward it. Last evaluated 2026-08-01.

Conditions:
Inborn genetic diseases. Identifiers: MedGen C0950123, MeSH D030342.
Wilson disease (WND). Also called: Wilson's disease. Identifiers: Orphanet 905, MedGen C0019202, MONDO:0010200, OMIM 277900. Disease mechanism: loss of function.

Allele frequency attached by ClinVar (database versions not stated): 1000 Genomes Project 30x 0.00031; 1000 Genomes Project 0.00040; gnomAD exomes 0.00105; ExAC 0.00114; gnomAD 0.00135; TOPMed 0.00139; ESP Exome Variant Server 0.00244.
gnomAD v4.1: 3,530 of 1,614,134 alleles (0.22%); highest among the groups gnomAD compares: Non-Finnish European, 0.27%; 6 homozygotes.

Submissions (18):

CeGaT Center for Human Genetics Tuebingen
Classification: Likely benign. Last evaluated: 2026-08-01. Review status: criteria provided, single submitter. Criteria: CeGaT Center For Human Genetics Tuebingen Variant Classification Criteria Version 2. Collection method: clinical testing. Allele origin: germline. Affected: yes. Observed: 22 variant alleles.
Comment: ATP7B: BP4, BP7

Labcorp Genetics (formerly Invitae), Labcorp
Classification: Likely benign for Wilson disease. Last evaluated: 2026-02-04. Review status: criteria provided, single submitter. Criteria: Invitae Variant Classification Sherloc (09022015). Collection method: clinical testing. Allele origin: germline.

Mayo Clinic Laboratories, Mayo Clinic
Classification: Likely benign. Last evaluated: 2025-10-09. Review status: criteria provided, single submitter. Criteria: ACMG Guidelines, 2015. Collection method: clinical testing. Allele origin: germline. Observed: 11 variant alleles.
Comment: BP4, BP7

ARUP Laboratories, Molecular Genetics and Genomics, ARUP Laboratories
Classification: Likely benign for Wilson disease. Last evaluated: 2025-07-28. Review status: criteria provided, single submitter. Criteria: ARUP Molecular Germline Variant Investigation Process 2024. Collection method: clinical testing. Allele origin: germline.

Blueprint Genetics
Classification: Likely benign. Last evaluated: 2024-11-06. Review status: criteria provided, single submitter. Criteria: ACMG Guidelines, 2015. Collection method: clinical testing. Allele origin: germline.

All of Us Research Program, National Institutes of Health
Classification: Likely benign for Wilson disease. Last evaluated: 2024-02-05. Review status: criteria provided, single submitter. Criteria: ACMG Guidelines, 2015. Collection method: clinical testing. Allele origin: germline. Inheritance: Autosomal recessive inheritance. Observed: 398 variant alleles, 398 heterozygotes.
Comment: This study involves interpretation of variants in research participants for the purpose of population health screening. Participant phenotype was not available at the time of variant classification. Additional details can be found in publication PMID: 35346344, PMCID: PMC8962531

Color Diagnostics, LLC DBA Color Health
Classification: Likely benign for Wilson disease. Last evaluated: 2022-09-16. Review status: criteria provided, single submitter. Criteria: ACMG Guidelines, 2015. Collection method: clinical testing. Allele origin: germline.

Ambry Genetics
Classification: Likely benign for Inborn genetic diseases. Last evaluated: 2022-05-24. Review status: criteria provided, single submitter. Criteria: Ambry Variant Classification Scheme 2023. Collection method: clinical testing. Allele origin: germline.

GeneDx
Classification: Likely benign. Last evaluated: 2021-10-05. Review status: criteria provided, single submitter. Criteria: GeneDx Variant Classification Process June 2021. Collection method: clinical testing. Allele origin: germline. Affected: yes.

Genome-Nilou Lab
Classification: Likely benign for Wilson disease. Last evaluated: 2021-07-14. Review status: criteria provided, single submitter. Criteria: ACMG Guidelines, 2015. Collection method: clinical testing. Allele origin: germline. Affected: no.

Women's Health and Genetics/Laboratory Corporation of America, LabCorp
Classification: Likely benign. Last evaluated: 2019-08-21. Review status: criteria provided, single submitter. Criteria: LabCorp Variant Classification Summary - May 2015. Collection method: clinical testing. Allele origin: germline.

Illumina Laboratory Services, Illumina
Classification: Uncertain significance for Wilson disease. Last evaluated: 2018-01-12. Review status: criteria provided, single submitter. Criteria: ICSL Variant Classification Criteria 13 December 2019. Collection method: clinical testing. Allele origin: germline.

Natera, Inc.
Classification: Likely benign for Wilson disease. Last evaluated: 2020-04-15. Review status: no assertion criteria provided. Collection method: clinical testing. Allele origin: germline. Not counted in ClinVar's aggregate classification.

Clinical Genetics DNA and cytogenetics Diagnostics Lab, Erasmus MC, Erasmus Medical Center
Classification: Likely benign. Review status: no assertion criteria provided. Collection method: clinical testing. Allele origin: germline. Affected: yes. Study: VKGL Data-share Consensus. Not counted in ClinVar's aggregate classification.

Clinical Genetics, Academic Medical Center
Classification: Benign. Review status: no assertion criteria provided. Collection method: clinical testing. Allele origin: germline. Affected: yes. Study: VKGL Data-share Consensus. Not counted in ClinVar's aggregate classification.

Diagnostic Laboratory, Department of Genetics, University Medical Center Groningen
Classification: Likely benign for Wilson disease. Review status: no assertion criteria provided. Collection method: clinical testing. Allele origin: germline. Affected: yes. Study: VKGL Data-share Consensus. Not counted in ClinVar's aggregate classification.

Genome Diagnostics Laboratory, Amsterdam University Medical Center
Classification: Likely benign. Review status: no assertion criteria provided. Collection method: clinical testing. Allele origin: germline. Affected: yes. Study: VKGL Data-share Consensus. Not counted in ClinVar's aggregate classification.

Genome Diagnostics Laboratory, University Medical Center Utrecht
Classification: Likely benign. Review status: no assertion criteria provided. Collection method: clinical testing. Allele origin: germline. Affected: yes. Study: VKGL Data-share Consensus. Not counted in ClinVar's aggregate classification.

NM_000053.4(ATP7B):c.1278C>T (p.Val426=)

Gene: ATP7B (ATPase copper transporting beta; minus strand). Cytogenetic location: 13q14.3.
Variant type: single nucleotide variant.
Coding change: c.1278C>T on transcript NM_000053.4 (MANE Select); coding-DNA position 1278, C replaced by T.
Protein change: p.Val426=; no amino-acid change (valine 426 retained).
Molecular consequence: synonymous variant.
Genome position (GRCh38, 1-based): chr13:51,973,942, G>A on the plus strand (C>T on the coding strand, the complement: ATP7B is on the minus strand). VCF-style: chr13-51973942-G-A. GRCh37 (hg19) VCF-style: chr13-52548078-G-A.
Other names: p.Val426=; c.1278C>T, p.Val426= (NM_001005918.3, NM_001330578.2, NM_001330579.2); c.945C>T, p.Val315= (NM_001243182.2).
Identifiers: ClinVar variation 312391 (VCV000312391.84), dbSNP rs143556945, ClinGen allele CA6989402.